The following is an entry in ClinVar:

NM_000540.3(RYR1):c.14129+1G>C

Gene: RYR1 (ryanodine receptor 1; plus strand). Cytogenetic location: 19q13.2.
Variant type: single nucleotide variant.
Coding change: c.14129+1G>C on transcript NM_000540.3 (MANE Select); the canonical splice donor site of the intron after coding-DNA position 14129, G replaced by C.
Molecular consequence: splice donor variant.
Genome position (GRCh38, 1-based): chr19:38,573,308, G>C. VCF-style: chr19-38573308-G-C. GRCh37 (hg19) VCF-style: chr19-39063948-G-C.
Other names: c.14114+1G>C (NM_001042723.2).
Identifiers: ClinVar variation 3659662 (VCV003659662.2).

ClinVar aggregate classification (germline): Likely pathogenic (1 of 4 stars; one submission).

Conditions:
RYR1-related disorder. Also called: RYR1-related condition; RYR1-related disorders. Identifiers: MedGen CN239331.

Submission:

Labcorp Genetics (formerly Invitae), Labcorp
Classification: Likely pathogenic for RYR1-related disorder. Last evaluated: 2025-03-04. Review status: criteria provided, single submitter. Criteria: Invitae Variant Classification Sherloc (09022015). Collection method: clinical testing. Allele origin: germline.
Comment: This sequence change affects a donor splice site in intron 96 of the RYR1 gene. It is expected to disrupt RNA splicing. Variants that disrupt the donor or acceptor splice site typically lead to a loss of protein function (PMID: 16199547), and loss-of-function variants in RYR1 are known to be pathogenic (PMID: 23919265, 25960145, 28818389, 30611313). This variant is not present in population databases (gnomAD no frequency). This variant has not been reported in the literature in individuals affected with RYR1-related conditions. Algorithms developed to predict the effect of sequence changes on RNA splicing suggest that this variant may disrupt the consensus splice site. In summary, the currently available evidence indicates that the variant is pathogenic, but additional data are needed to prove that conclusively. Therefore, this variant has been classified as Likely Pathogenic.

Literature cited by the submitters: PubMed 16199547; PubMed 23919265; PubMed 25960145; PubMed 28818389; PubMed 30611313.